The following is an entry in ClinVar:

NM_015213.4(DENND5A):c.1429A>G (p.Lys477Glu)

Gene: DENND5A (DENN domain containing 5A; minus strand). Cytogenetic location: 11p15.4.
Variant type: single nucleotide variant.
Coding change: c.1429A>G on transcript NM_015213.4 (MANE Select); coding-DNA position 1429, A replaced by G.
Protein change: p.Lys477Glu; replaces lysine 477 with glutamic acid.
Molecular consequence: missense variant. On other transcripts: non-coding transcript variant (1).
Genome position (GRCh38, 1-based): chr11:9,180,793, T>C on the plus strand (A>G on the coding strand, the complement: DENND5A is on the minus strand). VCF-style: chr11-9180793-T-C. GRCh37 (hg19) VCF-style: chr11-9202340-T-C.
Other names: c.1429A>G, p.Lys477Glu (NM_001243254.2); c.1357A>G, p.Lys453Glu (NM_001348749.2); c.1141A>G, p.Lys381Glu (NM_001348750.2); short protein forms K381E, K453E, K477E.
Identifiers: ClinVar variation 1548080 (VCV001548080.22), dbSNP rs117463710, ClinGen allele CA5877608.
Genomic context (GRCh38, chr11:9,180,793, plus strand): 5'-TCACACGTGTCACAGACTCATATACACATCTTACCTTTTCCAGGCTCACCCCAGTTCTCT[T>C]GACCAAGGCTTGCAGCCGGGCAATAGTTTCATTCTCCTTAAGAAGCTCGTAGGAATGCAA-3'
Protein context (NP_056028.2, residues 467-487): ETIARLQALV[Lys477Glu]RTGVSLEKLE

ClinVar aggregate classification (germline): Likely benign. Review status: criteria provided, multiple submitters, no conflicts (2 of 4 stars). 3 submissions from 3 submitters: Likely benign (3). Last evaluated 2026-01-26.

Allele frequency attached by ClinVar (database versions not stated): gnomAD exomes 0.00024 and 0.00063; ExAC 0.00085; gnomAD 0.00150 and 0.00154; TOPMed 0.00158; ESP Exome Variant Server 0.00177; 1000 Genomes Project 30x 0.00359; 1000 Genomes Project 0.00399.
gnomAD v4.1: 596 of 1,614,190 alleles (0.037%); highest among the groups gnomAD compares: African/African-American, 0.46%; 6 homozygotes.

Submissions (3):

Labcorp Genetics (formerly Invitae), Labcorp
Classification: Likely benign. Last evaluated: 2026-01-26. Review status: criteria provided, single submitter. Criteria: Invitae Variant Classification Sherloc (09022015). Collection method: clinical testing. Allele origin: germline.

CeGaT Center for Human Genetics Tuebingen
Classification: Likely benign. Last evaluated: 2024-12-01. Review status: criteria provided, single submitter. Criteria: CeGaT Center For Human Genetics Tuebingen Variant Classification Criteria Version 2. Collection method: clinical testing. Allele origin: germline. Affected: yes. Observed: 1 variant allele.
Comment: DENND5A: BS1

Blueprint Genetics
Classification: Likely benign. Last evaluated: 2024-11-22. Review status: criteria provided, single submitter. Criteria: ACMG Guidelines, 2015. Collection method: clinical testing. Allele origin: germline.